The following is an entry in ClinVar:

NM_002439.5(MSH3):c.3080A>G (p.Asn1027Ser)

Gene: MSH3 (mutS homolog 3; plus strand). Cytogenetic location: 5q14.1.
Variant type: single nucleotide variant.
Coding change: c.3080A>G on transcript NM_002439.5 (MANE Select); coding-DNA position 3080, A replaced by G.
Protein change: p.Asn1027Ser; replaces asparagine 1027 with serine.
Molecular consequence: missense variant.
Genome position (GRCh38, 1-based): chr5:80,864,892, A>G. VCF-style: chr5-80864892-A-G. GRCh37 (hg19) VCF-style: chr5-80160711-A-G.
Other names: short protein forms N1027S.
Identifiers: ClinVar variation 936840 (VCV000936840.9), dbSNP rs777247211, ClinGen allele CA3328443.

ClinVar aggregate classification (germline): Uncertain significance (1 of 4 stars; one submission).

Allele frequency attached by ClinVar (database versions not stated): gnomAD exomes below 0.00001; ExAC 0.00001.
gnomAD v4.1: 2 of 1,613,626 alleles (0.00012%); highest among the groups gnomAD compares: South Asian, 0.0022%; no homozygotes.

Submission:

Labcorp Genetics (formerly Invitae), Labcorp
Classification: Uncertain significance. Last evaluated: 2024-08-27. Review status: criteria provided, single submitter. Criteria: Invitae Variant Classification Sherloc (09022015). Collection method: clinical testing. Allele origin: germline.
Comment: This sequence change replaces asparagine, which is neutral and polar, with serine, which is neutral and polar, at codon 1027 of the MSH3 protein (p.Asn1027Ser). This variant is present in population databases (rs777247211, gnomAD 0.003%). This variant has not been reported in the literature in individuals affected with MSH3-related conditions. ClinVar contains an entry for this variant (Variation ID: 936840). An algorithm developed to predict the effect of missense changes on protein structure and function (PolyPhen-2) suggests that this variant is likely to be disruptive. In summary, the available evidence is currently insufficient to determine the role of this variant in disease. Therefore, it has been classified as a Variant of Uncertain Significance.